The following is an entry in ClinVar:

ClinVar aggregate classification (germline): Pathogenic (1 of 4 stars; one submission).

Conditions:
Hereditary breast ovarian cancer syndrome. Also called: BRCA1- and BRCA2-Associated Hereditary Breast and Ovarian Cancer; Hereditary breast and ovarian cancer; Hereditary breast and/or ovarian cancer syndrome; Hereditary breast and ovarian cancer syndrome; Hereditary breast and ovarian cancer syndrome (HBOC); Breast and ovarian cancer. Identifiers: Orphanet 145, MedGen C0677776, MeSH D061325, MONDO:0003582. Disease mechanism: loss of function.

Submission:

Labcorp Genetics (formerly Invitae), Labcorp
Classification: Pathogenic for Hereditary breast ovarian cancer syndrome. Last evaluated: 2018-02-08. Review status: criteria provided, single submitter. Criteria: Invitae Variant Classification Sherloc (09022015). Collection method: clinical testing. Allele origin: germline.
Comment: Loss-of-function variants in BRCA2 are known to be pathogenic (PMID: 20104584). For these reasons, this variant has been classified as Pathogenic. This variant has not been reported in the literature in individuals with BRCA2-related disease. This variant is not present in population databases (ExAC no frequency). This sequence change creates a premature translational stop signal (p.Phe2000Leufs*3) in the BRCA2 gene. It is expected to result in an absent or disrupted protein product.

Literature cited by the submitters: PubMed 20104584.

NC_000013.11:g.32340353delinsCG

Gene: BRCA2 (BRCA2 DNA repair associated; plus strand). Cytogenetic location: 13q13.1.
Variant type: Indel.
Genome position: GRCh38 VCF-style: chr13-32340353-T-CG. GRCh37 (hg19) VCF-style: chr13-32914490-T-CG.
Other names: c.5998delinsCG, p.Phe2000fs (LRG_293t1).
Identifiers: ClinVar variation 574142 (VCV000574142.6), dbSNP rs1566233714, ClinGen allele CA891844240.